The following is an entry in ClinVar:

NM_020919.4(ALS2):c.1641G>A (p.Arg547=)

Gene: ALS2 (alsin Rho guanine nucleotide exchange factor ALS2; minus strand). Cytogenetic location: 2q33.1.
Variant type: single nucleotide variant.
Coding change: c.1641G>A on transcript NM_020919.4 (MANE Select); coding-DNA position 1641, G replaced by A.
Protein change: p.Arg547=; no amino-acid change (arginine 547 retained).
Molecular consequence: synonymous variant.
Genome position (GRCh38, 1-based): chr2:201,753,242, C>T on the plus strand (G>A on the coding strand, the complement: ALS2 is on the minus strand). VCF-style: chr2-201753242-C-T. GRCh37 (hg19) VCF-style: chr2-202617965-C-T.
Other names: p.Arg547=.
Identifiers: ClinVar variation 465181 (VCV000465181.16), dbSNP rs34122078, ClinGen allele CA2058394.

ClinVar aggregate classification (germline): Conflicting classifications of pathogenicity. Review status: criteria provided, conflicting classifications (1 of 4 stars). 8 submissions from 7 submitters: Uncertain significance (4); Likely benign (2). 2 of the submissions do not count toward it. Last evaluated 2025-10-22.

Conditions:
ALS2-related disorder. Also called: ALS2-related condition; ALS2-related disorders; ALS2-Related Spectrum Disorders. Identifiers: MedGen CN169291.
Inborn genetic diseases. Identifiers: MedGen C0950123, MeSH D030342.
Infantile-onset ascending hereditary spastic paralysis (IAHSP). Also called: Autosomal Recessive Juvenile Amyotrophic Lateral Sclerosis; Infantile-Onset Ascending Hereditary Spastic Paralysis (IAHSP). Identifiers: Orphanet 293168, MedGen C2931441, MONDO:0011797, OMIM 607225. Disease mechanism: loss of function.
Amyotrophic lateral sclerosis type 2, juvenile. Also called: ALS, JUVENILE; Amyotrophic lateral sclerosis type 2. Identifiers: Orphanet 300605, MedGen C1859807, MONDO:0008780, OMIM 205100.

Allele frequency attached by ClinVar (database versions not stated): gnomAD 0.00038; gnomAD exomes 0.00039; ExAC 0.00041; TOPMed 0.00062; ESP Exome Variant Server 0.00075.
gnomAD v4.1: 1,040 of 1,613,462 alleles (0.064%); highest among the groups gnomAD compares: Non-Finnish European, 0.083%; no homozygotes.

Submissions (8):

Mayo Clinic Laboratories, Mayo Clinic
Classification: Likely benign. Last evaluated: 2025-10-22. Review status: criteria provided, single submitter. Criteria: ACMG Guidelines, 2015. Collection method: clinical testing. Allele origin: germline. Observed: 1 variant allele.
Comment: BP4, BP7

Ambry Genetics
Classification: Likely benign for Inborn genetic diseases. Last evaluated: 2023-06-06. Review status: criteria provided, single submitter. Criteria: Ambry Variant Classification Scheme 2023. Collection method: clinical testing. Allele origin: germline.

Labcorp Genetics (formerly Invitae), Labcorp
Classification: Uncertain significance for Infantile-onset ascending hereditary spastic paralysis. Last evaluated: 2022-10-13. Review status: criteria provided, single submitter. Criteria: Invitae Variant Classification Sherloc (09022015). Collection method: clinical testing. Allele origin: germline.
Comment: This sequence change affects codon 547 of the ALS2 mRNA. It is a 'silent' change, meaning that it does not change the encoded amino acid sequence of the ALS2 protein. It affects a nucleotide within the consensus splice site. This variant is present in population databases (rs34122078, gnomAD 0.07%). This variant has not been reported in the literature in individuals affected with ALS2-related conditions. ClinVar contains an entry for this variant (Variation ID: 465181). Algorithms developed to predict the effect of sequence changes on RNA splicing suggest that this variant is not likely to affect RNA splicing. In summary, the available evidence is currently insufficient to determine the role of this variant in disease. Therefore, it has been classified as a Variant of Uncertain Significance.

GeneDx
Classification: Uncertain significance. Last evaluated: 2020-12-24. Review status: criteria provided, single submitter. Criteria: GeneDx Variant Classification Process June 2021. Collection method: clinical testing. Allele origin: germline. Affected: yes.
Comment: Has not been previously published as pathogenic or benign to our knowledge; In-silico analysis is inconclusive as to whether the variant alters gene splicing. In the absence of RNA/functional studies, the actual effect of this sequence change is unknown.

Illumina Laboratory Services, Illumina
Classification: Uncertain significance for Amyotrophic lateral sclerosis type 2. Last evaluated: 2017-04-28. Review status: criteria provided, single submitter. Criteria: ICSL Variant Classification Criteria 13 December 2019. Collection method: clinical testing. Allele origin: germline.
Comment: This variant was observed as part of a predisposition screen in an ostensibly healthy population. A literature search was performed for the gene, cDNA change, and amino acid change (where applicable). Publications were found based on this search. However, the evidence from the literature, in combination with allele frequency data from public databases where available, was not sufficient to rule this variant in or out of causing disease. Therefore, this variant is classified as a variant of unknown significance.

Illumina Laboratory Services, Illumina
Classification: Uncertain significance for ALS2-Related Disorders. Last evaluated: 2017-04-28. Review status: criteria provided, single submitter. Criteria: ICSL Variant Classification Criteria 13 December 2019. Collection method: clinical testing. Allele origin: germline.

Clinical Genetics DNA and cytogenetics Diagnostics Lab, Erasmus MC, Erasmus Medical Center
Classification: Likely benign. Review status: no assertion criteria provided. Collection method: clinical testing. Allele origin: germline. Affected: yes. Study: VKGL Data-share Consensus. Not counted in ClinVar's aggregate classification.

Genome Diagnostics Laboratory, University Medical Center Utrecht
Classification: Likely benign. Review status: no assertion criteria provided. Collection method: clinical testing. Allele origin: germline. Affected: yes. Study: VKGL Data-share Consensus. Not counted in ClinVar's aggregate classification.

Literature cited by the submitters: PubMed 23881933 (cited by Mayo Clinic Laboratories, Mayo Clinic and Illumina Laboratory Services, Illumina).